The following is an entry in ClinVar:

NM_002936.6(RNASEH1):c.286A>T (p.Ser96Cys)

Gene: RNASEH1 (ribonuclease H1; minus strand). Cytogenetic location: 2p25.3.
Variant type: single nucleotide variant.
Coding change: c.286A>T on transcript NM_002936.6 (MANE Select); coding-DNA position 286, A replaced by T.
Protein change: p.Ser96Cys; replaces serine 96 with cysteine.
Molecular consequence: missense variant. On other transcripts: 5 prime UTR variant (1), non-coding transcript variant (7).
Genome position (GRCh38, 1-based): chr2:3,552,267, T>A on the plus strand (A>T on the coding strand, the complement: RNASEH1 is on the minus strand). VCF-style: chr2-3552267-T-A. GRCh37 (hg19) VCF-style: chr2-3599857-T-A.
Other names: c.208A>T, p.Ser70Cys (NM_001286834.3); c.-66A>T (NM_001286837.3); c.286A>T, p.Ser96Cys (NM_001378271.1, NM_001378272.1, NM_001378273.1); short protein forms S70C, S96C.
Identifiers: ClinVar variation 872193 (VCV000872193.49), dbSNP rs138292342, ClinGen allele CA1516339.

ClinVar aggregate classification (germline): Conflicting classifications of pathogenicity. Review status: criteria provided, conflicting classifications (1 of 4 stars). 5 submissions from 5 submitters: Uncertain significance (2); Likely benign (2). 1 of the submissions does not count toward it. Last evaluated 2024-12-01.

Conditions:
RNASEH1-related disorder. Also called: RNASEH1-related condition.

Allele frequency attached by ClinVar (database versions not stated): ESP Exome Variant Server 0.00054; gnomAD exomes 0.00073; ExAC 0.00076; TOPMed 0.00078.
gnomAD v4.1: 1,334 of 1,614,144 alleles (0.083%); highest among the groups gnomAD compares: Middle Eastern, 0.3%; 1 homozygote.

Submissions (5):

CeGaT Center for Human Genetics Tuebingen
Classification: Likely benign. Last evaluated: 2024-12-01. Review status: criteria provided, single submitter. Criteria: CeGaT Center For Human Genetics Tuebingen Variant Classification Criteria Version 2. Collection method: clinical testing. Allele origin: germline. Affected: yes. Observed: 7 variant alleles.
Comment: RNASEH1: BP4, BS2

Blueprint Genetics
Classification: Likely benign. Last evaluated: 2024-11-01. Review status: criteria provided, single submitter. Criteria: ACMG Guidelines, 2015. Collection method: clinical testing. Allele origin: germline.

Labcorp Genetics (formerly Invitae), Labcorp
Classification: Uncertain significance. Last evaluated: 2024-01-22. Review status: criteria provided, single submitter. Criteria: Invitae Variant Classification Sherloc (09022015). Collection method: clinical testing. Allele origin: germline.
Comment: This sequence change replaces serine, which is neutral and polar, with cysteine, which is neutral and slightly polar, at codon 96 of the RNASEH1 protein (p.Ser96Cys). This variant is present in population databases (rs138292342, gnomAD 0.1%), and has an allele count higher than expected for a pathogenic variant. This variant has not been reported in the literature in individuals affected with RNASEH1-related conditions. ClinVar contains an entry for this variant (Variation ID: 872193). An algorithm developed to predict the effect of missense changes on protein structure and function (PolyPhen-2) suggests that this variant¬†is likely to be tolerated. In summary, the available evidence is currently insufficient to determine the role of this variant in disease. Therefore, it has been classified as a Variant of Uncertain Significance.

GeneDx
Classification: Uncertain significance. Last evaluated: 2021-09-02. Review status: criteria provided, single submitter. Criteria: GeneDx Variant Classification Process June 2021. Collection method: clinical testing. Allele origin: germline. Affected: yes.
Comment: In silico analysis supports that this missense variant does not alter protein structure/function; Has not been previously published as pathogenic or benign to our knowledge; This variant is associated with the following publications: (PMID: 27535533)

PreventionGenetics, part of Exact Sciences
Classification: Uncertain significance for RNASEH1-related condition. Last evaluated: 2024-05-11. Review status: no assertion criteria provided. Collection method: clinical testing. Allele origin: germline. Not counted in ClinVar's aggregate classification.
Comment: The RNASEH1 c.286A>T variant is predicted to result in the amino acid substitution p.Ser96Cys. To our knowledge, this variant has not been reported in the literature. This variant is reported in 0.13% of alleles in individuals of European (Non-Finnish) descent in gnomAD. Although we suspect that this variant may be benign, at this time, the clinical significance of this variant is uncertain due to the absence of conclusive functional and genetic evidence.